The following is an entry in ClinVar:

ClinVar aggregate classification (germline): Benign (1 of 4 stars; one submission).

Conditions:
Congenital myasthenic syndrome 5. Identifiers: Orphanet 590, MedGen C1864233, MONDO:0011281, OMIM 603034.

Allele frequency attached by ClinVar (database versions not stated): gnomAD 0.00520 and 0.00563; TOPMed 0.00580; 1000 Genomes Project 0.00619; 1000 Genomes Project 30x 0.00625.

Submission:

Illumina Laboratory Services, Illumina
Classification: Benign for Congenital myasthenic syndrome 5. Last evaluated: 2018-01-12. Review status: criteria provided, single submitter. Criteria: ICSL Variant Classification Criteria 13 December 2019. Collection method: clinical testing. Allele origin: germline.
Comment: This variant was observed in the ICSL laboratory as part of a predisposition screen in an ostensibly healthy population. It had not been previously curated by ICSL or reported in the Human Gene Mutation Database (HGMD: prior to June 1st, 2018), and was therefore a candidate for classification through an automated scoring system. Utilizing variant allele frequency, disease prevalence and penetrance estimates, and inheritance mode, an automated score was calculated to assess if this variant is too frequent to cause the disease. Based on the score and internal cut-off values, a variant classified as benign is not then subjected to further curation. The score for this variant resulted in a classification of benign for this disease.

NM_005677.4(COLQ):c.*994G>A

Gene: COLQ (collagen like tail subunit of asymmetric acetylcholinesterase; minus strand). Cytogenetic location: 3p25.1.
Variant type: single nucleotide variant.
Coding change: c.*994G>A on transcript NM_005677.4 (MANE Select); 994 bases downstream of the stop codon, G replaced by A.
Molecular consequence: 3 prime UTR variant.
Genome position (GRCh38, 1-based): chr3:15,450,650, C>T on the plus strand (G>A on the coding strand, the complement: COLQ is on the minus strand). VCF-style: chr3-15450650-C-T. GRCh37 (hg19) VCF-style: chr3-15492157-C-T.
Other names: c.*994G>A (NM_080538.2, NM_080539.4).
Identifiers: ClinVar variation 343830 (VCV000343830.5), dbSNP rs77521642, ClinGen allele CA10615582.